The following is an entry in ClinVar:

NM_000038.6(APC):c.8017A>C (p.Arg2673=)

Gene: APC (APC regulator of Wnt signaling pathway; plus strand). Cytogenetic location: 5q22.2.
Variant type: single nucleotide variant.
Coding change: c.8017A>C on transcript NM_000038.6 (MANE Select); coding-DNA position 8017, A replaced by C.
Protein change: p.Arg2673=; no amino-acid change (arginine 2673 retained).
Molecular consequence: synonymous variant.
Genome position (GRCh38, 1-based): chr5:112,843,611, A>C. VCF-style: chr5-112843611-A-C. GRCh37 (hg19) VCF-style: chr5-112179308-A-C.
Other names: c.8017A>C, p.Arg2673= (NM_001127510.3, NM_001354895.2); c.7963A>C, p.Arg2655= (NM_001127511.3); c.8071A>C, p.Arg2691= (NM_001354896.2); c.8047A>C, p.Arg2683= (NM_001354897.2); c.7942A>C, p.Arg2648= (NM_001354898.2); c.7933A>C, p.Arg2645= (NM_001354899.2); c.7894A>C, p.Arg2632= (NM_001354900.2); c.7840A>C, p.Arg2614= (NM_001354901.2); and 5 more.
Identifiers: ClinVar variation 416753 (VCV000416753.22), dbSNP rs767286063, ClinGen allele CA16611753.

ClinVar aggregate classification (germline): Benign/Likely benign. Review status: criteria provided, multiple submitters, no conflicts (2 of 4 stars). 6 submissions from 6 submitters: Benign (1); Likely benign (5). Last evaluated 2025-10-13.

Conditions:
Familial adenomatous polyposis 1 (FAP1). Also called: FAMILIAL ADENOMATOUS POLYPOSIS 1, ATTENUATED; POLYPOSIS, ADENOMATOUS INTESTINAL. Identifiers: MedGen C2713442, MONDO:0021056, OMIM 175100. Disease mechanism: loss of function.
Classic or attenuated familial adenomatous polyposis. Identifiers: MedGen CN372698, MONDO:0021057.
Hereditary cancer-predisposing syndrome. Also called: Tumor predisposition; Neoplastic Syndromes, Hereditary; Hereditary neoplastic syndrome; Hereditary Cancer Syndrome. Identifiers: Orphanet 140162, MedGen C0027672, MeSH D009386, MONDO:0015356.

Allele frequency attached by ClinVar (database versions not stated): TOPMed 0.00001.
gnomAD v4.1: 6 of 1,613,908 alleles (0.00037%); highest among the groups gnomAD compares: Admixed American, 0.01%; no homozygotes.

Submissions (6):

Labcorp Genetics (formerly Invitae), Labcorp
Classification: Likely benign for Familial adenomatous polyposis 1. Last evaluated: 2025-10-13. Review status: criteria provided, single submitter. Criteria: Invitae Variant Classification Sherloc (09022015). Collection method: clinical testing. Allele origin: germline.

Myriad Genetics, Inc.
Classification: Benign for Familial adenomatous polyposis 1. Last evaluated: 2024-04-12. Review status: criteria provided, single submitter. Criteria: Myriad Autosomal Dominant, Autosomal Recessive and X-Linked Classification Criteria (2023). Collection method: clinical testing. Allele origin: unknown.
Comment: This variant is considered benign. This variant is a silent/synonymous amino acid change and it is not expected to impact splicing.

All of Us Research Program, National Institutes of Health
Classification: Likely benign for Classic or attenuated familial adenomatous polyposis. Last evaluated: 2023-12-13. Review status: criteria provided, single submitter. Criteria: ACMG Guidelines, 2015. Collection method: clinical testing. Allele origin: germline. Inheritance: Autosomal dominant inheritance. Observed: 1 variant allele, 1 heterozygote.
Comment: This study involves interpretation of variants in research participants for the purpose of population health screening. Participant phenotype was not available at the time of variant classification. Additional details can be found in publication PMID: 35346344, PMCID: PMC8962531

GeneDx
Classification: Likely benign. Last evaluated: 2020-08-25. Review status: criteria provided, single submitter. Criteria: GeneDx Variant Classification Process June 2021. Collection method: clinical testing. Allele origin: germline. Affected: yes.

Color Diagnostics, LLC DBA Color Health
Classification: Likely benign for Hereditary cancer-predisposing syndrome. Last evaluated: 2017-01-03. Review status: criteria provided, single submitter. Criteria: ACMG Guidelines, 2015. Collection method: clinical testing. Allele origin: germline.

Ambry Genetics
Classification: Likely benign for Hereditary cancer-predisposing syndrome. Last evaluated: 2016-05-18. Review status: criteria provided, single submitter. Criteria: Ambry Variant Classification Scheme 2023. Collection method: clinical testing. Allele origin: germline.